The following is an entry in ClinVar:

ClinVar aggregate classification (germline): Uncertain significance. Review status: criteria provided, multiple submitters, no conflicts (2 of 4 stars). 3 submissions from 3 submitters: Uncertain significance (2). 1 of the submissions does not count toward it. Last evaluated 2021-07-18.

Conditions:
Cystic fibrosis (CF). Also called: MUCOVISCIDOSIS. Identifiers: Orphanet 586, MedGen C0010674, MONDO:0009061, OMIM 219700. Disease mechanism: loss of function.
CFTR-related disorder (CFTR-RD). Also called: CFTR-related disorders; CFTR-related condition. Identifiers: MedGen C5924204, MONDO:7770004.

Submissions (3):

Ambry Genetics
Classification: Uncertain significance for Cystic fibrosis. Last evaluated: 2021-07-18. Review status: criteria provided, single submitter. Criteria: Ambry Variant Classification Scheme 2023. Collection method: clinical testing. Allele origin: germline.
Comment: The p.M1191I variant (also known as c.3573G>A), located in coding exon 22 of the CFTR gene, results from a G to A substitution at nucleotide position 3573. The methionine at codon 1191 is replaced by isoleucine, an amino acid with highly similar properties. This amino acid position is conserved. In addition, this alteration is predicted to be tolerated by in silico analysis. Since supporting evidence is limited at this time, the clinical significance of this alteration remains unclear.

ARUP Laboratories, Molecular Genetics and Genomics, ARUP Laboratories
Classification: Uncertain significance. Last evaluated: 2017-11-15. Review status: criteria provided, single submitter. Criteria: ARUP Molecular Germline Variant Investigation Process. Collection method: clinical testing. Allele origin: germline.

Natera, Inc.
Classification: Uncertain significance for CFTR-related disorders. Last evaluated: 2018-05-30. Review status: no assertion criteria provided. Collection method: clinical testing. Allele origin: germline. Not counted in ClinVar's aggregate classification.

NM_000492.4(CFTR):c.3573G>A (p.Met1191Ile)

Genes: CFTR-AS2 (CFTR antisense RNA 2; minus strand), CFTR (CF transmembrane conductance regulator; plus strand). Cytogenetic location: 7q31.2.
Variant type: single nucleotide variant.
Coding change: c.3573G>A on transcript NM_000492.4 (MANE Select); coding-DNA position 3573, G replaced by A.
Protein change: p.Met1191Ile; replaces methionine 1191 with isoleucine.
Molecular consequence: missense variant.
Genome position (GRCh38, 1-based): chr7:117,627,626, G>A. VCF-style: chr7-117627626-G-A. GRCh37 (hg19) VCF-style: chr7-117267680-G-A.
Other names: short protein forms M1191I.
Identifiers: ClinVar variation 618566 (VCV000618566.10), dbSNP rs1359962349, ClinGen allele CA368996452.